The following is an entry in ClinVar:

NM_003327.4(TNFRSF4):c.365G>A (p.Gly122Glu)

Gene: TNFRSF4 (TNF receptor superfamily member 4; minus strand). Cytogenetic location: 1p36.33.
Variant type: single nucleotide variant.
Coding change: c.365G>A on transcript NM_003327.4 (MANE Select); coding-DNA position 365, G replaced by A.
Protein change: p.Gly122Glu; replaces glycine 122 with glutamic acid.
Molecular consequence: missense variant.
Genome position (GRCh38, 1-based): chr1:1,212,997, C>T on the plus strand (G>A on the coding strand, the complement: TNFRSF4 is on the minus strand). VCF-style: chr1-1212997-C-T. GRCh37 (hg19) VCF-style: chr1-1148377-C-T.
Other names: c.365G>A, p.Gly122Glu (NM_001410709.1); short protein forms G122E.
Identifiers: ClinVar variation 4798233 (VCV004798233.1).

ClinVar aggregate classification (germline): Uncertain significance (1 of 4 stars; one submission).

Conditions:
Combined immunodeficiency due to OX40 deficiency. Also called: OX40 DEFICIENCY; Immunodeficiency 16. Identifiers: Orphanet 431149, MedGen C3810053, MONDO:0014268, OMIM 615593.

Submission:

Labcorp Genetics (formerly Invitae), Labcorp
Classification: Uncertain significance for Combined immunodeficiency due to OX40 deficiency. Last evaluated: 2025-04-03. Review status: criteria provided, single submitter. Criteria: Invitae Variant Classification Sherloc (09022015). Collection method: clinical testing. Allele origin: germline.
Comment: This sequence change replaces glycine, which is neutral and non-polar, with glutamic acid, which is acidic and polar, at codon 122 of the TNFRSF4 protein (p.Gly122Glu). This variant is not present in population databases (gnomAD no frequency). This variant has not been reported in the literature in individuals affected with TNFRSF4-related conditions. Invitae Evidence Modeling of protein sequence and biophysical properties (such as structural, functional, and spatial information, amino acid conservation, physicochemical variation, residue mobility, and thermodynamic stability) indicates that this missense variant is not expected to disrupt TNFRSF4 protein function with a negative predictive value of 80%. In summary, the available evidence is currently insufficient to determine the role of this variant in disease. Therefore, it has been classified as a Variant of Uncertain Significance.